The following is an entry in ClinVar:

ClinVar aggregate classification (germline): Conflicting classifications of pathogenicity. Review status: criteria provided, conflicting classifications (1 of 4 stars). 3 submissions from 3 submitters: Likely pathogenic (1); Uncertain significance (2). Last evaluated 2025-07-06.

Conditions:
Autosomal recessive limb-girdle muscular dystrophy type 2J (LGMDR10). Also called: Limb-girdle muscular dystrophy, type 2J; MUSCULAR DYSTROPHY, LIMB-GIRDLE, AUTOSOMAL RECESSIVE 10. Identifiers: Orphanet 140922, MedGen C1837342, MONDO:0012127, OMIM 608807.
Dilated cardiomyopathy 1G (CMD1G). Identifiers: Orphanet 154, MedGen C1858763, MONDO:0011400, OMIM 604145.
Cardiomyopathy (CMYO). Also called: Cardiomyopathies. Identifiers: Orphanet 167848, MedGen C0878544, MONDO:0004994, HP:0001638. Inheritance: Various modes of inheritance.
Hypertrophic cardiomyopathy 9. Also called: Familial hypertrophic cardiomyopathy 9. Identifiers: MedGen C1861065, MONDO:0013412, OMIM 613765.
Tibial muscular dystrophy (TMD). Also called: UDD MYOPATHY; Udd Distal Myopathy – Tibial Muscular Dystrophy; Tibial muscular dystrophy, tardive. Identifiers: Orphanet 609, MedGen C1838244, MONDO:0010870, OMIM 600334.
Early-onset myopathy with fatal cardiomyopathy (CMYO5). Also called: Salih Myopathy; CONGENITAL MYOPATHY 5 WITH CARDIOMYOPATHY. Identifiers: Orphanet 289377, MedGen C2673677, MONDO:0012714, OMIM 611705. Disease mechanism: loss of function.
Myopathy, myofibrillar, 9, with early respiratory failure (MFM9). Also called: MYOPATHY, PROXIMAL, WITH EARLY RESPIRATORY MUSCLE INVOLVEMENT; Hereditary myopathy with early respiratory failure; EDSTROM MYOPATHY; Myopathy, distal, with early respiratory failure, autosomal dominant. Identifiers: Orphanet 178464, Orphanet 34521, MedGen C1863599, MONDO:0011362, OMIM 603689.

Allele frequency attached by ClinVar (database versions not stated): gnomAD exomes below 0.00001; ExAC 0.00001.

Submissions (3):

Labcorp Genetics (formerly Invitae), Labcorp
Classification: Likely pathogenic for Dilated cardiomyopathy 1G; Autosomal recessive limb-girdle muscular dystrophy type 2J. Last evaluated: 2025-07-06. Review status: criteria provided, single submitter. Criteria: Invitae Variant Classification Sherloc (09022015). Collection method: clinical testing. Allele origin: germline.
Comment: This sequence change affects a donor splice site in intron 139 of the TTN gene. It is expected to disrupt RNA splicing and likely results in a truncated or disrupted TTN protein. This variant is present in population databases (rs779749654, gnomAD 0.003%). This variant has not been reported in the literature in individuals affected with TTN-related conditions. ClinVar contains an entry for this variant (Variation ID: 915573). Algorithms developed to predict the effect of sequence changes on RNA splicing suggest that this variant may disrupt the consensus splice site. This variant is located in the I band of TTN (PMID: 25589632). Truncating variants in this region have been reported in individuals affected with autosomal recessive centronuclear myopathy (PMID: 23975875, internal data). Truncating variants in this region have also been identified in individuals affected with autosomal dominant dilated cardiomyopathy and/or cardio-related conditions (PMID: 27869827, 32964742, internal data). In summary, the currently available evidence indicates that the variant is pathogenic, but additional data are needed to prove that conclusively. Therefore, this variant has been classified as Likely Pathogenic.

CHEO Genetics Diagnostic Laboratory, Children's Hospital of Eastern Ontario
Classification: Uncertain significance for Cardiomyopathy. Last evaluated: 2022-05-09. Review status: criteria provided, single submitter. Criteria: ACMG Guidelines, 2015. Collection method: clinical testing. Allele origin: germline.

Fulgent Genetics
Classification: Uncertain significance for Tibial muscular dystrophy; Myopathy, myofibrillar, 9, with early respiratory failure; Dilated cardiomyopathy 1G; Autosomal recessive limb-girdle muscular dystrophy type 2J; Early-onset myopathy with fatal cardiomyopathy; Hypertrophic cardiomyopathy 9. Last evaluated: 2021-10-13. Review status: criteria provided, single submitter. Criteria: ACMG Guidelines, 2015. Collection method: clinical testing. Allele origin: unknown.

Literature cited by the submitters: PubMed 25589632 (cited by Labcorp Genetics (formerly Invitae), Labcorp); PubMed 23975875 (cited by Labcorp Genetics (formerly Invitae), Labcorp); PubMed 27869827 (cited by Labcorp Genetics (formerly Invitae), Labcorp); PubMed 32964742 (cited by Labcorp Genetics (formerly Invitae), Labcorp).

NM_001267550.2(TTN):c.33418+2T>A

Gene: TTN (titin; minus strand). Cytogenetic location: 2q31.2.
Variant type: single nucleotide variant.
Coding change: c.33418+2T>A on transcript NM_001267550.2 (MANE Select); the canonical splice donor site of the intron after coding-DNA position 33418, T replaced by A.
Molecular consequence: splice donor variant. On other transcripts: intron variant (3).
Genome position (GRCh38, 1-based): chr2:178,680,252, A>T on the plus strand (T>A on the coding strand, the complement: TTN is on the minus strand). VCF-style: chr2-178680252-A-T. GRCh37 (hg19) VCF-style: chr2-179544979-A-T.
Other names: c.13283-37935T>A (NM_003319.4); c.13859-37935T>A (NM_133437.4); c.13658-37935T>A (NM_133432.3); c.29686+2T>A (NM_133378.4); c.32467+2T>A (NM_001256850.1).
Identifiers: ClinVar variation 915573 (VCV000915573.8), dbSNP rs779749654, ClinGen allele CA1998358.
Genomic context (GRCh38, chr2:178,680,252, plus strand): 5'-AACTGAAGAGGAATTCAACAGCAAAAGACGAACAAAACATTAAAATGAGTGCCATTAGGT[A>T]CCTCTAACAGGTGGTGCTACTTCTTTTCTAGGGACAGGTACTTTTTCTTCTGCGACAACC-3'